The following is an entry in ClinVar:

ClinVar aggregate classification (germline): Benign. Review status: criteria provided, multiple submitters, no conflicts (2 of 4 stars). 2 submissions from 2 submitters: Benign (2). Last evaluated 2025-08-13.

Conditions:
X-linked sideroblastic anemia 1. Also called: Erythroid 5-aminolevulinate synthase deficiency; X chromosome-linked sideroblastic anemia; X-linked pyridoxine-refractory sideroblastic anemia; ANEMIA, SIDEROBLASTIC, 1, PYRIDOXINE REFRACTORY; Anemia, sideroblastic, 1; Anemia, hereditary sideroblastic 1, pyridoxine refractory. Identifiers: Orphanet 75563, MedGen C4551511, MONDO:0020721, OMIM 300751. Disease mechanism: loss of function.

Allele frequency attached by ClinVar (database versions not stated): gnomAD 0.00003 and 0.00007; TOPMed 0.00003; gnomAD exomes 0.00008 and 0.00009; ExAC 0.00014; 1000 Genomes Project 30x 0.00083; 1000 Genomes Project 0.00106.
gnomAD v4.1: 99 of 1,208,916 alleles (0.0082%); highest among the groups gnomAD compares: East Asian, 0.27%; no homozygotes.

Submissions (2):

Labcorp Genetics (formerly Invitae), Labcorp
Classification: Benign. Last evaluated: 2025-08-13. Review status: criteria provided, single submitter. Criteria: Invitae Variant Classification Sherloc (09022015). Collection method: clinical testing. Allele origin: germline.

Illumina Laboratory Services, Illumina
Classification: Benign for X-linked sideroblastic anemia 1. Last evaluated: 2018-01-12. Review status: criteria provided, single submitter. Criteria: ICSL Variant Classification Criteria 13 December 2019. Collection method: clinical testing. Allele origin: germline.
Comment: This variant was observed in the ICSL laboratory as part of a predisposition screen in an ostensibly healthy population. It had not been previously curated by ICSL or reported in the Human Gene Mutation Database (HGMD: prior to June 1st, 2018), and was therefore a candidate for classification through an automated scoring system. Utilizing variant allele frequency, disease prevalence and penetrance estimates, and inheritance mode, an automated score was calculated to assess if this variant is too frequent to cause the disease. Based on the score and internal cut-off values, a variant classified as benign is not then subjected to further curation. The score for this variant resulted in a classification of benign for this disease.

NM_000032.5(ALAS2):c.1062C>G (p.Thr354=)

Gene: ALAS2 (5'-aminolevulinate synthase 2; minus strand). Cytogenetic location: Xp11.21.
Variant type: single nucleotide variant.
Coding change: c.1062C>G on transcript NM_000032.5 (MANE Select); coding-DNA position 1062, C replaced by G.
Protein change: p.Thr354=; no amino-acid change (threonine 354 retained).
Molecular consequence: synonymous variant.
Genome position (GRCh38, 1-based): chrX:55,015,684, G>C on the plus strand (C>G on the coding strand, the complement: ALAS2 is on the minus strand). VCF-style: chrX-55015684-G-C. GRCh37 (hg19) VCF-style: chrX-55042117-G-C.
Other names: c.1062C>G, p.Thr354= (LRG_1163t1); c.951C>G, p.Thr317= (NM_001037967.4); c.1023C>G, p.Thr341= (NM_001037968.4).
Identifiers: ClinVar variation 368596 (VCV000368596.9), dbSNP rs201740830, ClinGen allele CA10428342.
Genomic context (GRCh38, chrX:55,015,684, plus strand): 5'-CTCCCCAATCCCAGCGCCCCGGGACCCATACAGTCCTACAGCATGGACCTCATCCACGAA[G>C]GTCAGGGCCCCATACTGGTGGGACACATCACACAACTCCTCGAGGGGACAGATGGCACCT-3'
Protein context (NP_000023.2, residues 344-364): CDVSHQYGAL[Thr354=]FVDEVHAVGL